The following is an entry in ClinVar:

NM_024529.5(CDC73):c.423G>A (p.Glu141=)

Gene: CDC73 (cell division cycle 73; plus strand). Cytogenetic location: 1q31.2.
Variant type: single nucleotide variant.
Coding change: c.423G>A on transcript NM_024529.5 (MANE Select); coding-DNA position 423, G replaced by A.
Protein change: p.Glu141=; no amino-acid change (glutamic acid 141 retained).
Molecular consequence: synonymous variant.
Genome position (GRCh38, 1-based): chr1:193,135,589, G>A. VCF-style: chr1-193135589-G-A. GRCh37 (hg19) VCF-style: chr1-193104719-G-A.
Identifiers: ClinVar variation 575875 (VCV000575875.7), dbSNP rs1291044007, ClinGen allele CA422344376.

ClinVar aggregate classification (germline): Uncertain significance (1 of 4 stars; one submission).

Conditions:
Parathyroid carcinoma (PRTC). Also called: CDC73-Related Parathyroid Carcinoma; Parathyroid gland carcinoma. Identifiers: Orphanet 143, MedGen C0687150, MONDO:0012004, OMIM 608266, HP:0006780.

Allele frequency attached by ClinVar (database versions not stated): gnomAD exomes below 0.00001.
gnomAD v4.1: 2 of 1,605,566 alleles (0.00012%); highest among the groups gnomAD compares: Non-Finnish European, 0.000085%; no homozygotes.

Submission:

Labcorp Genetics (formerly Invitae), Labcorp
Classification: Uncertain significance for Parathyroid carcinoma. Last evaluated: 2022-05-27. Review status: criteria provided, single submitter. Criteria: Invitae Variant Classification Sherloc (09022015). Collection method: clinical testing. Allele origin: germline.
Comment: In summary, the available evidence is currently insufficient to determine the role of this variant in disease. Therefore, it has been classified as a Variant of Uncertain Significance. Variants that disrupt the consensus splice site are a relatively common cause of aberrant splicing (PMID: 17576681, 9536098). Algorithms developed to predict the effect of sequence changes on RNA splicing suggest that this variant may create or strengthen a splice site. ClinVar contains an entry for this variant (Variation ID: 575875). This variant has not been reported in the literature in individuals affected with CDC73-related conditions. This variant is present in population databases (no rsID available, gnomAD 0.004%). This sequence change affects codon 141 of the CDC73 mRNA. It is a 'silent' change, meaning that it does not change the encoded amino acid sequence of the CDC73 protein. This variant also falls at the last nucleotide of exon 5, which is part of the consensus splice site for this exon.

Literature cited by the submitters: PubMed 17576681; PubMed 9536098.